The following is an entry in ClinVar:

NM_014112.5(TRPS1):c.2159T>A (p.Leu720Gln)

Gene: TRPS1 (transcriptional repressor GATA binding 1; minus strand). Cytogenetic location: 8q23.3.
Variant type: single nucleotide variant.
Coding change: c.2159T>A on transcript NM_014112.5 (MANE Select); coding-DNA position 2159, T replaced by A.
Protein change: p.Leu720Gln; replaces leucine 720 with glutamine.
Molecular consequence: missense variant.
Genome position (GRCh38, 1-based): chr8:115,587,542, A>T on the plus strand (T>A on the coding strand, the complement: TRPS1 is on the minus strand). VCF-style: chr8-115587542-A-T. GRCh37 (hg19) VCF-style: chr8-116599769-A-T.
Other names: c.2132T>A, p.Leu711Gln (NM_001282902.3); c.2138T>A, p.Leu713Gln (NM_001282903.3); c.2120T>A, p.Leu707Gln (NM_001330599.2); short protein forms L713Q, L711Q, L720Q, L707Q.
Identifiers: ClinVar variation 4790961 (VCV004790961.1).

ClinVar aggregate classification (germline): Uncertain significance (1 of 4 stars; one submission).

Conditions:
Trichorhinophalangeal dysplasia type I (TRPS1). Also called: TRICHORHINOPHALANGEAL SYNDROME, TYPE I; TRPS I. Identifiers: Orphanet 77258, MedGen C0432233, MONDO:0008596, OMIM 190350.
Trichorhinophalangeal syndrome, type III (TRPS3). Also called: SUGIO-KAJII SYNDROME. Identifiers: Orphanet 77258, MedGen C1860823, OMIM 190351, MONDO:0008597.

gnomAD v4.1: 1 of 1,614,178 alleles (0.000062%); highest among the groups gnomAD compares: Admixed American, 0.0017%; no homozygotes.

Submission:

Labcorp Genetics (formerly Invitae), Labcorp
Classification: Uncertain significance for Trichorhinophalangeal syndrome, type III; Trichorhinophalangeal dysplasia type I. Last evaluated: 2025-12-23. Review status: criteria provided, single submitter. Criteria: Invitae Variant Classification Sherloc (09022015). Collection method: clinical testing. Allele origin: germline.
Comment: This sequence change replaces leucine, which is neutral and non-polar, with glutamine, which is neutral and polar, at codon 720 of the TRPS1 protein (p.Leu720Gln). This variant is present in population databases (no rsID available, gnomAD 0.003%). This variant has not been reported in the literature in individuals affected with TRPS1-related conditions. Invitae Evidence Modeling of protein sequence and biophysical properties (such as structural, functional, and spatial information, amino acid conservation, physicochemical variation, residue mobility, and thermodynamic stability) indicates that this missense variant is expected to disrupt TRPS1 protein function with a positive predictive value of 80%. In summary, the available evidence is currently insufficient to determine the role of this variant in disease. Therefore, it has been classified as a Variant of Uncertain Significance.